The following is an entry in ClinVar:

ClinVar aggregate classification (germline): Uncertain significance (1 of 4 stars; one submission).

Conditions:
Hereditary nonpolyposis colorectal neoplasms. Identifiers: MedGen C0009405, MeSH D003123.

Submission:

Labcorp Genetics (formerly Invitae), Labcorp
Classification: Uncertain significance for Hereditary nonpolyposis colorectal neoplasms. Last evaluated: 2022-03-03. Review status: criteria provided, single submitter. Criteria: Invitae Variant Classification Sherloc (09022015). Collection method: clinical testing. Allele origin: germline.
Comment: In summary, the available evidence is currently insufficient to determine the role of this variant in disease. Therefore, it has been classified as a Variant of Uncertain Significance. Advanced modeling of protein sequence and biophysical properties (such as structural, functional, and spatial information, amino acid conservation, physicochemical variation, residue mobility, and thermodynamic stability) performed at Invitae indicates that this missense variant is not expected to disrupt MSH6 protein function. This variant has not been reported in the literature in individuals affected with MSH6-related conditions. This variant is not present in population databases (gnomAD no frequency). This sequence change replaces serine, which is neutral and polar, with proline, which is neutral and non-polar, at codon 549 of the MSH6 protein (p.Ser549Pro).

NM_000179.3(MSH6):c.1645T>C (p.Ser549Pro)

Gene: MSH6 (mutS homolog 6; plus strand). Cytogenetic location: 2p16.3.
Variant type: single nucleotide variant.
Coding change: c.1645T>C on transcript NM_000179.3 (MANE Select); coding-DNA position 1645, T replaced by C.
Protein change: p.Ser549Pro; replaces serine 549 with proline.
Molecular consequence: missense variant.
Genome position (GRCh38, 1-based): chr2:47,799,628, T>C. VCF-style: chr2-47799628-T-C. GRCh37 (hg19) VCF-style: chr2-48026767-T-C.
Other names: c.1255T>C, p.Ser419Pro (NM_001281492.2); c.739T>C, p.Ser247Pro (NM_001281493.2, NM_001281494.2, NM_001406811.1 and 6 more transcripts); c.1741T>C, p.Ser581Pro (NM_001406795.1, NM_001406802.1); c.1645T>C, p.Ser549Pro (NM_001406796.1, NM_001406798.1, NM_001406800.1 and 3 more transcripts); c.1348T>C, p.Ser450Pro (NM_001406797.1, NM_001406801.1, NM_001406805.1 and 10 more transcripts); c.1120T>C, p.Ser374Pro (NM_001406799.1, NM_001406806.1, NM_001406807.1); c.1567T>C, p.Ser523Pro (NM_001406804.1); c.1477T>C, p.Ser493Pro (NM_001406826.1); and 1 more; short protein forms S493P, S419P, S549P, S551P, S247P, S374P, S450P, S523P.
Identifiers: ClinVar variation 2105165 (VCV002105165.4), dbSNP rs2530621961, ClinGen allele CA346747247.
Genomic context (GRCh38, chr2:47,799,628, plus strand): 5'-GGTGATCCCTCTGAGAACTACAGTAAGTATCTTCTTAGCCTCAAAGAAAAAGAGGAAGAT[T>C]CTTCTGGCCATACTCGTGCATATGGTGTGTGCTTTGTTGATACTTCACTGGGAAAGTTTT-3'
Protein context (NP_000170.1, residues 539-559): LLSLKEKEED[Ser549Pro]SGHTRAYGVC